The following is an entry in ClinVar:

NM_000138.5(FBN1):c.4747+5G>C

Gene: FBN1 (fibrillin 1; minus strand). Cytogenetic location: 15q21.1.
Variant type: single nucleotide variant.
Coding change: c.4747+5G>C on transcript NM_000138.5 (MANE Select); 5 bases into the intron after coding-DNA position 4747, G replaced by C.
Molecular consequence: intron variant.
Genome position (GRCh38, 1-based): chr15:48,467,933, C>G on the plus strand (G>C on the coding strand, the complement: FBN1 is on the minus strand). VCF-style: chr15-48467933-C-G. GRCh37 (hg19) VCF-style: chr15-48760130-C-G.
Identifiers: ClinVar variation 36081 (VCV000036081.9), dbSNP rs193922209, ClinGen allele CA015404.

ClinVar aggregate classification (germline): Conflicting classifications of pathogenicity. Review status: criteria provided, conflicting classifications (1 of 4 stars). 3 submissions from 3 submitters: Pathogenic (2); Uncertain significance (1). Last evaluated 2025-02-19.

Conditions:
Familial thoracic aortic aneurysm and aortic dissection (TAAD). Also called: Thoracic aortic aneurysms and dissections. Identifiers: Orphanet 91387, MedGen C4707243, MONDO:0019625.
Marfan syndrome (MFS). Also called: FBN1-Related Marfan Syndrome; Marfan syndrome type 1; Marfan's syndrome; Marfan syndrome, classic; MARFAN SYNDROME, TYPE I. Identifiers: Orphanet 284963, Orphanet 558, MedGen C0024796, MONDO:0007947, OMIM 154700.

Submissions (3):

Labcorp Genetics (formerly Invitae), Labcorp
Classification: Pathogenic for Marfan syndrome; Familial thoracic aortic aneurysm and aortic dissection. Last evaluated: 2025-02-19. Review status: criteria provided, single submitter. Criteria: Invitae Variant Classification Sherloc (09022015). Collection method: clinical testing. Allele origin: germline.
Comment: This sequence change falls in intron 38 of the FBN1 gene. It does not directly change the encoded amino acid sequence of the FBN1 protein. It affects a nucleotide within the consensus splice site. This variant is not present in population databases (gnomAD no frequency). This variant has been observed in individual(s) with FBN1-related conditions and/or Marfan syndrome (PMID: 33910934; internal data). In at least one individual the variant was observed to be de novo. ClinVar contains an entry for this variant (Variation ID: 36081). Variants that disrupt the consensus splice site are a relatively common cause of aberrant splicing (PMID: 17576681, 9536098). Algorithms developed to predict the effect of sequence changes on RNA splicing suggest that this variant may disrupt the consensus splice site. This variant disrupts the c.4747+5G nucleotide in the FBN1 gene. Other variant(s) that disrupt this nucleotide have been determined to be pathogenic (PMID: 10189089, 17657824). This suggests that this nucleotide is clinically significant, and that variants that disrupt this position are likely to be disease-causing. For these reasons, this variant has been classified as Pathogenic.

Center for Human Genetics, Inc
Classification: Pathogenic for Marfan syndrome. Last evaluated: 2016-11-01. Review status: criteria provided, single submitter. Criteria: ACMG Guidelines, 2015. Collection method: clinical testing. Allele origin: germline. Affected: yes.

Women's Health and Genetics/Laboratory Corporation of America, LabCorp
Classification: Uncertain significance for Marfan Syndrome. Last evaluated: 2011-08-18. Review status: criteria provided, single submitter. Criteria: LabCorp Variant Classification Summary - May 2015. Collection method: curation, clinical testing. Allele origin: germline. Inheritance: autosomal unknown. Affected: yes.
ClinVar note: Converted during submission from uncertain to Uncertain significance.

Literature cited by the submitters: PubMed 33910934 (cited by Labcorp Genetics (formerly Invitae), Labcorp); PubMed 17576681 (cited by Labcorp Genetics (formerly Invitae), Labcorp); PubMed 9536098 (cited by Labcorp Genetics (formerly Invitae), Labcorp); PubMed 10189089 (cited by Labcorp Genetics (formerly Invitae), Labcorp); PubMed 17657824 (cited by Labcorp Genetics (formerly Invitae), Labcorp).